The following is an entry in ClinVar:

ClinVar aggregate classification (germline): Likely benign. Review status: criteria provided, multiple submitters, no conflicts (2 of 4 stars). 2 submissions from 2 submitters: Likely benign (2). Last evaluated 2024-09-12.

Conditions:
Multiple congenital anomalies-hypotonia-seizures syndrome 2 (MCAHS2). Also called: EPILEPTIC ENCEPHALOPATHY, EARLY INFANTILE, 20; GLYCOSYLPHOSPHATIDYLINOSITOL BIOSYNTHESIS DEFECT 4. Identifiers: Orphanet 300496, MedGen C3275508, MONDO:0010466, OMIM 300868.

Allele frequency attached by ClinVar (database versions not stated): gnomAD exomes below 0.00001; TOPMed below 0.00001; ExAC 0.00001.

Submissions (2):

Labcorp Genetics (formerly Invitae), Labcorp
Classification: Likely benign for Multiple congenital anomalies-hypotonia-seizures syndrome 2. Last evaluated: 2024-09-12. Review status: criteria provided, single submitter. Criteria: Invitae Variant Classification Sherloc (09022015). Collection method: clinical testing. Allele origin: germline.

CeGaT Center for Human Genetics Tuebingen
Classification: Likely benign. Last evaluated: 2022-12-01. Review status: criteria provided, single submitter. Criteria: CeGaT Center For Human Genetics Tuebingen Variant Classification Criteria Version 2. Collection method: clinical testing. Allele origin: germline. Affected: yes. Observed: 1 variant allele.
Comment: PIGA: BP4, BP7

NM_002641.4(PIGA):c.1386T>C (p.Gly462=)

Gene: PIGA (phosphatidylinositol glycan anchor biosynthesis class A; minus strand). Cytogenetic location: Xp22.2.
Variant type: single nucleotide variant.
Coding change: c.1386T>C on transcript NM_002641.4 (MANE Select); coding-DNA position 1386, T replaced by C.
Protein change: p.Gly462=; no amino-acid change (glycine 462 retained).
Molecular consequence: synonymous variant. On other transcripts: non-coding transcript variant (2).
Genome position (GRCh38, 1-based): chrX:15,321,575, A>G on the plus strand (T>C on the coding strand, the complement: PIGA is on the minus strand). VCF-style: chrX-15321575-A-G. GRCh37 (hg19) VCF-style: chrX-15339697-A-G.
Other names: c.684T>C, p.Gly228= (NM_020473.3).
Identifiers: ClinVar variation 2660048 (VCV002660048.27), dbSNP rs759900292, ClinGen allele CA10354051.